The following is an entry in ClinVar:

ClinVar aggregate classification (germline): Likely benign (1 of 4 stars; one submission).

Submission:

GeneDx
Classification: Likely benign. Last evaluated: 2020-11-20. Review status: criteria provided, single submitter. Criteria: GeneDx Variant Classification Process June 2021. Collection method: clinical testing. Allele origin: germline. Affected: yes.
Comment: See Variant Classification Assertion Criteria.

NM_001013703.4(EIF2AK4):c.4502+210del

Gene: EIF2AK4 (eukaryotic translation initiation factor 2 alpha kinase 4; plus strand). Cytogenetic location: 15q15.1.
Variant type: Deletion.
Coding change: c.4502+210del on transcript NM_001013703.4 (MANE Select); 210 bases into the intron after coding-DNA position 4502, one base deleted (A; older notation c.4502+210delA).
Molecular consequence: intron variant.
Genome position (GRCh38, 1-based): chr15:40,026,299, A deleted; the last of 10 consecutive A bases (chr15:40,026,290-40,026,299); deleting any one gives the same sequence. VCF-style (leftmost placement, unchanged base first): chr15-40026289-TA-T. GRCh37 (hg19) VCF-style: chr15-40318490-TA-T.
Identifiers: ClinVar variation 1707179 (VCV001707179.2), dbSNP rs200485080, ClinGen allele CA268729369.